The following is an entry in ClinVar:

NM_015294.6(TRIM37):c.2431C>T (p.Arg811Ter)

Gene: TRIM37 (tripartite motif containing 37; minus strand). Cytogenetic location: 17q22.
Variant type: single nucleotide variant.
Coding change: c.2431C>T on transcript NM_015294.6 (MANE Select); coding-DNA position 2431, C replaced by T.
Protein change: p.Arg811Ter; replaces arginine 811 with a stop codon.
Molecular consequence: nonsense. On other transcripts: non-coding transcript variant (2).
Genome position (GRCh38, 1-based): chr17:59,015,755, G>A on the plus strand (C>T on the coding strand, the complement: TRIM37 is on the minus strand). VCF-style: chr17-59015755-G-A. GRCh37 (hg19) VCF-style: chr17-57093116-G-A.
Other names: c.1969C>T, p.Arg657Ter (NM_001353085.2); c.2380C>T, p.Arg794Ter (NM_001353086.2); c.2431C>T, p.Arg811Ter (NM_001005207.5, NM_001320988.3, NM_001320989.3 and 1 more transcripts); c.2329C>T, p.Arg777Ter (NM_001320987.3, NM_001353082.2); c.2065C>T, p.Arg689Ter (NM_001320990.3); c.1696C>T, p.Arg566Ter (NM_001353083.2); short protein forms R657*, R777*, R811*, R689*, R794*, R566*.
Identifiers: ClinVar variation 3014315 (VCV003014315.3), dbSNP rs1374212380, ClinGen allele CA400390356.

ClinVar aggregate classification (germline): Pathogenic (1 of 4 stars; one submission).

Allele frequency attached by ClinVar (database versions not stated): gnomAD exomes 0.00001.
gnomAD v4.1: 22 of 1,613,822 alleles (0.0014%); highest among the groups gnomAD compares: East Asian, 0.0022%; no homozygotes.

Submission:

Labcorp Genetics (formerly Invitae), Labcorp
Classification: Pathogenic. Last evaluated: 2023-10-29. Review status: criteria provided, single submitter. Criteria: Invitae Variant Classification Sherloc (09022015). Collection method: clinical testing. Allele origin: germline.
Comment: This sequence change creates a premature translational stop signal (p.Arg811*) in the TRIM37 gene. It is expected to result in an absent or disrupted protein product. Loss-of-function variants in TRIM37 are known to be pathogenic (PMID: 10888877, 15108285). This variant is present in population databases (no rsID available, gnomAD 0.002%). This variant has not been reported in the literature in individuals affected with TRIM37-related conditions. For these reasons, this variant has been classified as Pathogenic.

Literature cited by the submitters: PubMed 10888877; PubMed 15108285.